The following is an entry in ClinVar:

NM_000684.3(ADRB1):c.1165G>C (p.Gly389Arg)

Gene: ADRB1 (adrenoceptor beta 1; plus strand). Cytogenetic location: 10q25.3.
Variant type: single nucleotide variant.
Coding change: c.1165G>C on transcript NM_000684.3 (MANE Select); coding-DNA position 1165, G replaced by C.
Protein change: p.Gly389Arg; replaces glycine 389 with arginine.
Molecular consequence: missense variant.
Genome position (GRCh38, 1-based): chr10:114,045,297, G>C. VCF-style: chr10-114045297-G-C. GRCh37 (hg19) VCF-style: chr10-115805056-G-C.
Other names: R389G; short protein forms G389R.
Identifiers: ClinVar variation 17746 (VCV000017746.32), dbSNP rs1801253, ClinGen allele CA127365.

ClinVar aggregate classification (germline): Benign; association. Review status: no assertion criteria provided (0 of 4 stars). 3 submissions from 3 submitters: Benign (2). Last evaluated 2022-07-05.

Conditions:
ADRB1-related disorder. Also called: ADRB1-related condition.
Pulmonary disease, chronic obstructive, susceptibility to. Identifiers: MedGen C3838076, MONDO:0100167.

Allele frequency attached by ClinVar (database versions not stated): TOPMed 0.69296; gnomAD exomes 0.73750 and 0.73500; gnomAD 0.69690 and 0.69242; 1000 Genomes Project 30x 0.69894; 1000 Genomes Project 0.70168; ExAC 0.73600.
gnomAD v4.1: 1,152,550 of 1,577,268 alleles (73%); highest among the groups gnomAD compares: Admixed American, 83%; 423,077 homozygotes.

Submissions (3):

Pneumogenomics Laboratory, Instituto Nacional de Enfermedades Respiratorias Ismael Cosio Villegas
Classification: association for Susceptibility to chronic obstructive pulmonary disease. Last evaluated: 2022-07-05. Review status: no assertion criteria provided. Collection method: research. Allele origin: germline. Affected: yes.

PreventionGenetics, part of Exact Sciences
Classification: Benign for ADRB1-related condition. Last evaluated: 2019-10-17. Review status: no assertion criteria provided. Collection method: clinical testing. Allele origin: germline.
Comment: This variant is classified as benign based on ACMG/AMP sequence variant interpretation guidelines (Richards et al. 2015 PMID: 25741868, with internal and published modifications).

OMIM
Classification: Benign for RECLASSIFIED - ADRB1 POLYMORPHISM. Last evaluated: 2007-04-01. Review status: no assertion criteria provided. Collection method: literature only. Allele origin: germline.

Literature cited by the submitters: Hamosh, A. Personal Communication. 2024. Baltimore, Md. (cited by OMIM); PubMed 10212248 (cited by OMIM); PubMed 12374873 (cited by OMIM); PubMed 16844790 (cited by OMIM); PubMed 17496726 (cited by OMIM).